The following is an entry in ClinVar:

ClinVar aggregate classification (germline): Uncertain significance (1 of 4 stars; one submission).

Conditions:
Spastic paraplegia. Identifiers: MedGen C0037772, HP:0001258.

Allele frequency attached by ClinVar (database versions not stated): TOPMed below 0.00001; gnomAD exomes 0.00001; ExAC 0.00002.
gnomAD v4.1: 4 of 1,614,162 alleles (0.00025%); highest among the groups gnomAD compares: East Asian, 0.0022%; no homozygotes.

Submission:

Labcorp Genetics (formerly Invitae), Labcorp
Classification: Uncertain significance for Spastic paraplegia. Last evaluated: 2016-01-29. Review status: criteria provided, single submitter. Criteria: Invitae Variant Classification Sherloc (09022015). Collection method: clinical testing. Allele origin: germline.
Comment: This sequence change replaces aspartic acid with glycine at codon 697 of the ZFYVE26 protein (p.Asp697Gly). The aspartic acid residue is moderately conserved and there is a moderate physicochemical difference between aspartic acid and glycine. This variant is present in population databases (rs770934562, ExAC 0.02%) but has not been reported in the literature in individuals with a ZFYVE26-related disease. Algorithms developed to predict the effect of missense changes on protein structure and function do not agree on the potential impact of this missense change (SIFT: "Tolerated"; PolyPhen-2: "Possibly Damaging"; Align-GVGD: "Class C0"). Algorithms developed to predict the effect of nucleotide changes on mRNA splicing suggest that this variant may alter mRNA splicing, but this prediction has not been confirmed by published transcriptional studies. In summary, this is a rare missense change with uncertain impact on mRNA splicing and protein function. There is no indication that this variant causes disease, but the evidence is insufficient at this time to prove that conclusively. Therefore, it has been classified as a Variant of Uncertain Significance.

NM_015346.4(ZFYVE26):c.2090A>G (p.Asp697Gly)

Gene: ZFYVE26 (zinc finger FYVE-type containing 26; minus strand). Cytogenetic location: 14q24.1.
Variant type: single nucleotide variant.
Coding change: c.2090A>G on transcript NM_015346.4 (MANE Select); coding-DNA position 2090, A replaced by G.
Protein change: p.Asp697Gly; replaces aspartic acid 697 with glycine.
Molecular consequence: missense variant.
Genome position (GRCh38, 1-based): chr14:67,798,172, T>C on the plus strand (A>G on the coding strand, the complement: ZFYVE26 is on the minus strand). VCF-style: chr14-67798172-T-C. GRCh37 (hg19) VCF-style: chr14-68264889-T-C.
Other names: short protein forms D697G.
Identifiers: ClinVar variation 241047 (VCV000241047.4), dbSNP rs770934562, ClinGen allele CA7240402.